The following is an entry in ClinVar:

NM_001291815.2(HMCN2):c.4722C>G (p.Pro1574=)

Gene: HMCN2 (hemicentin 2; plus strand). Cytogenetic location: 9q34.11.
Variant type: single nucleotide variant.
Coding change: c.4722C>G on transcript NM_001291815.2 (MANE Select); coding-DNA position 4722, C replaced by G.
Protein change: p.Pro1574=; no amino-acid change (proline 1574 retained).
Molecular consequence: synonymous variant.
Genome position (GRCh38, 1-based): chr9:130,353,063, C>G. VCF-style: chr9-130353063-C-G. GRCh37 (hg19) VCF-style: chr9-133228450-C-G.
Identifiers: ClinVar variation 2659587 (VCV002659587.24), dbSNP rs553024377, ClinGen allele CA5282160.
Genomic context (GRCh38, chr9:130,353,063, plus strand): 5'-TGAGGCTCGAGGAGTGCCCACCCCAAACATCACCTGGTTCAAGGACGGGGCCCTGCTCCC[C>G]ACCAGCACCAAGGTGGTCTACACTAGGGGCGGTCGGCAGTTGCAGCTGGGGAGGGCCCAG-3'
Protein context (NP_001278744.1, residues 1564-1584): ITWFKDGALL[Pro1574=]TSTKVVYTRG

ClinVar aggregate classification (germline): Likely benign (1 of 4 stars; one submission).

Allele frequency attached by ClinVar (database versions not stated): gnomAD exomes 0.00023; ExAC 0.00048; 1000 Genomes Project 0.00140; 1000 Genomes Project 30x 0.00156; TOPMed 0.00244.
gnomAD v4.1: 581 of 1,304,208 alleles (0.045%); highest among the groups gnomAD compares: African/African-American, 0.74%; 3 homozygotes.

Submission:

CeGaT Center for Human Genetics Tuebingen
Classification: Likely benign. Last evaluated: 2022-09-01. Review status: criteria provided, single submitter. Criteria: CeGaT Center For Human Genetics Tuebingen Variant Classification Criteria Version 2. Collection method: clinical testing. Allele origin: germline. Affected: yes. Observed: 1 variant allele.
Comment: HMCN2: BP4, BP7